The following is an entry in ClinVar:

ClinVar aggregate classification (germline): Uncertain significance. Review status: criteria provided, multiple submitters, no conflicts (2 of 4 stars). 2 submissions from 2 submitters: Uncertain significance (2). Last evaluated 2025-10-13.

Allele frequency attached by ClinVar (database versions not stated): gnomAD exomes 0.00001 and 0.00005; ExAC 0.00003; gnomAD 0.00005 and 0.00006; TOPMed 0.00007; 1000 Genomes Project 0.00020; 1000 Genomes Project 30x 0.00031.
gnomAD v4.1: 28 of 1,614,104 alleles (0.0017%); highest among the groups gnomAD compares: Admixed American, 0.027%; no homozygotes.

Submissions (2):

Labcorp Genetics (formerly Invitae), Labcorp
Classification: Uncertain significance. Last evaluated: 2025-10-13. Review status: criteria provided, single submitter. Criteria: Invitae Variant Classification Sherloc (09022015). Collection method: clinical testing. Allele origin: germline.
Comment: This sequence change creates a premature translational stop signal (p.Cys103*) in the PLA2G5 gene. While this is not anticipated to result in nonsense mediated decay, it is expected to disrupt the last 36 amino acid(s) of the PLA2G5 protein. This variant is present in population databases (rs571294470, gnomAD 0.04%). This variant has not been reported in the literature in individuals affected with PLA2G5-related conditions. ClinVar contains an entry for this variant (Variation ID: 1059166). Experimental studies and prediction algorithms are not available or were not evaluated, and the functional significance of this variant is currently unknown. In summary, the available evidence is currently insufficient to determine the role of this variant in disease. Therefore, it has been classified as a Variant of Uncertain Significance.

Blueprint Genetics
Classification: Uncertain significance. Last evaluated: 2023-02-22. Review status: criteria provided, single submitter. Criteria: ACMG Guidelines, 2015. Collection method: clinical testing. Allele origin: germline.

NM_000929.3(PLA2G5):c.309C>A (p.Cys103Ter)

Gene: PLA2G5 (phospholipase A2 group V; plus strand). Cytogenetic location: 1p36.13.
Variant type: single nucleotide variant.
Coding change: c.309C>A on transcript NM_000929.3 (MANE Select); coding-DNA position 309, C replaced by A.
Protein change: p.Cys103Ter; replaces cysteine 103 with a stop codon.
Molecular consequence: nonsense.
Genome position (GRCh38, 1-based): chr1:20,090,584, C>A. VCF-style: chr1-20090584-C-A. GRCh37 (hg19) VCF-style: chr1-20417077-C-A.
Other names: short protein forms C103*.
Identifiers: ClinVar variation 1059166 (VCV001059166.7), dbSNP rs571294470, ClinGen allele CA658262.